The following is an entry in ClinVar:

ClinVar aggregate classification (germline): Uncertain significance (1 of 4 stars; one submission).

Conditions:
GRN-related frontotemporal lobar degeneration with Tdp43 inclusions (FTD2). Also called: DEMENTIA, HEREDITARY DYSPHASIC DISINHIBITION; FRONTOTEMPORAL LOBAR DEGENERATION WITH UBIQUITIN-POSITIVE INCLUSIONS; FTLD-TDP, GRN-RELATED; GRN Frontotemporal Dementia; FRONTOTEMPORAL DEMENTIA WITH TDP43 INCLUSIONS, GRN-RELATED. Identifiers: Orphanet 100070, Orphanet 282, MedGen C1843792, MONDO:0011842, OMIM 607485. Disease mechanism: loss of function.
Neuronal ceroid lipofuscinosis 11. Also called: GRN-Related Neuronal Ceroid-Lipofuscinosis. Identifiers: Orphanet 314629, Orphanet 79262, MedGen C3539123, MONDO:0013866, OMIM 614706.

Allele frequency attached by ClinVar (database versions not stated): gnomAD exomes below 0.00001 and 0.00001; ExAC 0.00001; gnomAD 0.00001; TOPMed 0.00001.
gnomAD v4.1: 7 of 1,613,908 alleles (0.00043%); highest among the groups gnomAD compares: Non-Finnish European, 0.00051%; no homozygotes.

Submission:

Labcorp Genetics (formerly Invitae), Labcorp
Classification: Uncertain significance for Neuronal ceroid lipofuscinosis 11; GRN-related frontotemporal lobar degeneration with Tdp43 inclusions. Last evaluated: 2025-12-31. Review status: criteria provided, single submitter. Criteria: Invitae Variant Classification Sherloc (09022015). Collection method: clinical testing. Allele origin: germline.
Comment: This sequence change replaces proline, which is neutral and non-polar, with leucine, which is neutral and non-polar, at codon 21 of the GRN protein (p.Pro21Leu). This variant is present in population databases (rs745947095, gnomAD 0.0009%). This missense change has been observed in individual(s) with GRN-related conditions (PMID: 30954774). ClinVar contains an entry for this variant (Variation ID: 1392782). An algorithm developed to predict the effect of missense changes on protein structure and function (PolyPhen-2) suggests that this variant is likely to be disruptive. In summary, the available evidence is currently insufficient to determine the role of this variant in disease. Therefore, it has been classified as a Variant of Uncertain Significance.

Literature cited by the submitters: PubMed 30954774.

NM_002087.4(GRN):c.62C>T (p.Pro21Leu)

Gene: GRN (granulin precursor; plus strand). Cytogenetic location: 17q21.31.
Variant type: single nucleotide variant.
Coding change: c.62C>T on transcript NM_002087.4 (MANE Select); coding-DNA position 62, C replaced by T.
Protein change: p.Pro21Leu; replaces proline 21 with leucine.
Molecular consequence: missense variant.
Genome position (GRCh38, 1-based): chr17:44,349,226, C>T. VCF-style: chr17-44349226-C-T. GRCh37 (hg19) VCF-style: chr17-42426594-C-T.
Other names: short protein forms P21L.
Identifiers: ClinVar variation 1392782 (VCV001392782.6), dbSNP rs745947095, ClinGen allele CA8601742.